The following is an entry in ClinVar:

ClinVar aggregate classification (germline): Benign (3 of 4 stars; one submission).

Conditions:
Breast-ovarian cancer, familial, susceptibility to, 1 (BROVCA1). Also called: BRCA1 Hereditary Breast and Ovarian Cancer; OVARIAN CANCER, SUSCEPTIBILITY TO. Identifiers: Orphanet 145, MedGen C2676676, MONDO:0011450, OMIM 604370. Disease mechanism: loss of function.

Submission:

Evidence-based Network for the Interpretation of Germline Mutant Alleles (ENIGMA)
Classification: Benign for Breast-ovarian cancer, familial 1. Last evaluated: 2015-01-12. Review status: reviewed by expert panel. Criteria: ENIGMA BRCA1/2 Classification Criteria (2015). Collection method: curation. Allele origin: germline.
Comment: Class 1 not pathogenic based on frequency >1% in an outbred sampleset. Frequency 0.02 (European), derived from 1000 genomes (2012-04-30).

NM_007294.4(BRCA1):c.548-916del

Gene: BRCA1 (BRCA1 DNA repair associated; minus strand). Cytogenetic location: 17q21.31.
Variant type: Deletion.
Coding change: c.548-916del on transcript NM_007294.4 (MANE Select); 916 bases into the intron before coding-DNA position 548, one base deleted (A; older notation c.548-916delA).
Molecular consequence: intron variant.
Genome position (GRCh38, 1-based): chr17:43,098,205, T deleted on the plus strand (A on the coding strand, the reverse complement: BRCA1 is on the minus strand); the first of 7 consecutive T bases (chr17:43,098,205-43,098,211); deleting any one gives the same sequence. VCF-style (leftmost placement, unchanged base first): chr17-43098204-AT-A. GRCh37 (hg19) VCF-style: chr17-41250221-AT-A.
Other names: IVS 8-916del; c.407-916del (NM_001408458.1, NM_001408469.1, NM_001408453.1 and 43 more transcripts); c.-218-3345del (NM_001407967.1, NM_001407966.1); c.167-916del (NM_001407959.1, NM_001408510.1, NM_001407963.1 and 1 more transcripts); c.403+1570del (NM_001407931.1, NM_001407932.1, NM_001408503.1 and 6 more transcripts); c.404-916del (NM_001407747.1, NM_001408470.1, NM_001407848.1 and 26 more transcripts); c.164-916del (NM_001407962.1); c.166+1570del (NM_001408512.1, NM_001407965.1); and 15 more.
Identifiers: ClinVar variation 209455 (VCV000209455.2), dbSNP rs200081820, ClinGen allele CA276426.
Genomic context (GRCh38, chr17:43,098,204, plus strand): 5'-CCTCCTGAGTAGCTGGGACTACAGATGCACACCACCACACCCAGCTAATTTAAAAAAGAA[AT>A]TTTTTTGTAGAGATGAGGTCTTGCTATGTTGCCCAGGCTGGTCTCAAACTCCTGGCTTCA-3'